The following is an entry in ClinVar:

NM_020988.3(GNAO1):c.383T>C (p.Met128Thr)

Gene: GNAO1 (G protein subunit alpha o1; plus strand). Cytogenetic location: 16q13.
Variant type: single nucleotide variant.
Coding change: c.383T>C on transcript NM_020988.3 (MANE Select); coding-DNA position 383, T replaced by C.
Protein change: p.Met128Thr; replaces methionine 128 with threonine.
Molecular consequence: missense variant.
Genome position (GRCh38, 1-based): chr16:56,328,710, T>C. VCF-style: chr16-56328710-T-C. GRCh37 (hg19) VCF-style: chr16-56362622-T-C.
Other names: c.383T>C, p.Met128Thr (NM_138736.3); short protein forms M128T.
Identifiers: ClinVar variation 3907688 (VCV003907688.1).

ClinVar aggregate classification (germline): Uncertain significance (1 of 4 stars; one submission).

Conditions:
Developmental and epileptic encephalopathy, 17 (DEE17). Also called: Early infantile epileptic encephalopathy 17. Identifiers: Orphanet 1934, MedGen C3809606, MONDO:0014199, OMIM 615473.

Submission:

MVZ Medizinische Genetik Mainz
Classification: Uncertain significance for Developmental and epileptic encephalopathy, 17. Last evaluated: 2025-05-30. Review status: criteria provided, single submitter. Criteria: UK Practice Guidelines For Variant Classification V4 01 2020. Collection method: clinical testing. Allele origin: germline. Inheritance: Autosomal dominant inheritance. Affected: yes. Observed: 1 variant allele.
Comment: ACMG Criteria: PP3_STR,PM2_SUP